The following is an entry in ClinVar:

NM_001042492.3(NF1):c.5493G>A (p.Trp1831Ter)

Gene: NF1 (neurofibromin 1; plus strand). Cytogenetic location: 17q11.2.
Variant type: single nucleotide variant.
Coding change: c.5493G>A on transcript NM_001042492.3 (MANE Select); coding-DNA position 5493, G replaced by A.
Protein change: p.Trp1831Ter; replaces tryptophan 1831 with a stop codon.
Molecular consequence: nonsense.
Genome position (GRCh38, 1-based): chr17:31,327,723, G>A. VCF-style: chr17-31327723-G-A. GRCh37 (hg19) VCF-style: chr17-29654741-G-A.
Other names: c.5430G>A, p.Trp1810Ter (NM_000267.4); short protein forms W1810*, W1831*.
Identifiers: ClinVar variation 856332 (VCV000856332.11), dbSNP rs2069382585, ClinGen allele CA399009580.
Genomic context (GRCh38, chr17:31,327,723, plus strand): 5'-CTTCATGCACCAGGAGTGTGAAGCCATTGTCCAGTCTATCATTCATATCCGGACCCGCTG[G>A]GAACTGTCACAGCCCGACTCTATCCCCCAACACACCAAGATTCGGCCAAAAGATGTCCCT-3'

ClinVar aggregate classification (germline): Pathogenic. Review status: criteria provided, multiple submitters, no conflicts (2 of 4 stars). 3 submissions from 3 submitters: Pathogenic (3). Last evaluated 2024-10-08.

Conditions:
Hereditary cancer-predisposing syndrome. Also called: Hereditary neoplastic syndrome; Tumor predisposition; Neoplastic Syndromes, Hereditary; Hereditary Cancer Syndrome. Identifiers: Orphanet 140162, MedGen C0027672, MeSH D009386, MONDO:0015356.
Cardiovascular phenotype. Identifiers: MedGen CN230736.
Neurofibromatosis, type 1 (NF1). Also called: Neurofibromatosis, type I; VON RECKLINGHAUSEN DISEASE; Peripheral type neurofibromatosis; NEUROFIBROMATOSIS, TYPE I, SOMATIC. Identifiers: Orphanet 636, MedGen C0027831, MONDO:0018975, OMIM 162200. Disease mechanism: loss of function.

Submissions (3):

Ambry Genetics
Classification: Pathogenic for Cardiovascular phenotype; Hereditary cancer-predisposing syndrome. Last evaluated: 2024-10-08. Review status: criteria provided, single submitter. Criteria: Ambry Variant Classification Scheme 2023. Collection method: clinical testing. Allele origin: germline.
Comment: The p.W1810* pathogenic mutation (also known as c.5430G>A), located in coding exon 37 of the NF1 gene, results from a G to A substitution at nucleotide position 5430. This changes the amino acid from a tryptophan to a stop codon within coding exon 37. This variant has been reported in multiple individual(s) in neurofibromatosis type 1 cohorts, but clinical details were limited (Wang HF et al. J Clin Invest, 2011 Dec;121:4820-37; Sabbagh A et al. Hum Mutat, 2013 Nov;34:1510-8). This variant is considered to be rare based on population cohorts in the Genome Aggregation Database (gnomAD). In addition to the clinical data presented in the literature, this alteration is expected to result in loss of function by premature protein truncation or nonsense-mediated mRNA decay. As such, this alteration is interpreted as a disease-causing mutation.

Labcorp Genetics (formerly Invitae), Labcorp
Classification: Pathogenic for Neurofibromatosis, type 1. Last evaluated: 2024-10-02. Review status: criteria provided, single submitter. Criteria: Invitae Variant Classification Sherloc (09022015). Collection method: clinical testing. Allele origin: germline.
Comment: This sequence change creates a premature translational stop signal (p.Trp1810*) in the NF1 gene. It is expected to result in an absent or disrupted protein product. Loss-of-function variants in NF1 are known to be pathogenic (PMID: 10712197, 23913538). This variant is not present in population databases (gnomAD no frequency). This premature translational stop signal has been observed in individual(s) with neurofibromatosis type-1 (PMID: 10980545, 23913538). ClinVar contains an entry for this variant (Variation ID: 856332). For these reasons, this variant has been classified as Pathogenic.

Revvity Omics, Revvity
Classification: Pathogenic. Last evaluated: 2021-02-21. Review status: criteria provided, single submitter. Criteria: ACMG Guidelines, 2015. Collection method: clinical testing. Allele origin: germline.

Literature cited by the submitters: PubMed 22105171 (cited by Ambry Genetics); PubMed 23913538 (cited by Ambry Genetics and Labcorp Genetics (formerly Invitae), Labcorp); PubMed 10712197 (cited by Labcorp Genetics (formerly Invitae), Labcorp); PubMed 10980545 (cited by Labcorp Genetics (formerly Invitae), Labcorp).